The following is an entry in ClinVar:

ClinVar aggregate classification (germline): Uncertain significance. Review status: criteria provided, multiple submitters, no conflicts (2 of 4 stars). 2 submissions from 2 submitters: Uncertain significance (2). Last evaluated 2024-06-16.

Conditions:
Hereditary cancer-predisposing syndrome. Also called: Tumor predisposition; Hereditary Cancer Syndrome; Hereditary neoplastic syndrome; Neoplastic Syndromes, Hereditary. Identifiers: Orphanet 140162, MedGen C0027672, MeSH D009386, MONDO:0015356.
Hereditary pheochromocytoma and paraganglioma. Also called: Hereditary paragangliomas and pheochromocytomas; Hereditary Paraganglioma-Pheochromocytoma Syndromes; Hereditary pheochromocytoma-paraganglioma. Identifiers: Orphanet 29072, MedGen C4274332, MONDO:0017366.

Allele frequency attached by ClinVar (database versions not stated): gnomAD exomes below 0.00001.
gnomAD v4.1: 4 of 1,614,252 alleles (0.00025%); highest among the groups gnomAD compares: Non-Finnish European, 0.00034%; no homozygotes.

Submissions (2):

Labcorp Genetics (formerly Invitae), Labcorp
Classification: Uncertain significance for Hereditary pheochromocytoma and paraganglioma. Last evaluated: 2024-06-16. Review status: criteria provided, single submitter. Criteria: Invitae Variant Classification Sherloc (09022015). Collection method: clinical testing. Allele origin: germline.
Comment: This sequence change replaces leucine, which is neutral and non-polar, with proline, which is neutral and non-polar, at codon 93 of the TMEM127 protein (p.Leu93Pro). This variant is not present in population databases (gnomAD no frequency). This variant has not been reported in the literature in individuals affected with TMEM127-related conditions. ClinVar contains an entry for this variant (Variation ID: 1796030). An algorithm developed to predict the effect of missense changes on protein structure and function (PolyPhen-2) suggests that this variant is likely to be disruptive. In summary, the available evidence is currently insufficient to determine the role of this variant in disease. Therefore, it has been classified as a Variant of Uncertain Significance.

Ambry Genetics
Classification: Uncertain significance for Hereditary cancer-predisposing syndrome. Last evaluated: 2023-07-29. Review status: criteria provided, single submitter. Criteria: Ambry Variant Classification Scheme 2023. Collection method: clinical testing. Allele origin: germline.
Comment: The p.L93P variant (also known as c.278T>C), located in coding exon 2 of the TMEM127 gene, results from a T to C substitution at nucleotide position 278. The leucine at codon 93 is replaced by proline, an amino acid with similar properties. This amino acid position is highly conserved in available vertebrate species. In addition, this alteration is predicted to be deleterious by in silico analysis. Since supporting evidence is limited at this time, the clinical significance of this alteration remains unclear.

NM_017849.4(TMEM127):c.278T>C (p.Leu93Pro)

Gene: TMEM127 (transmembrane protein 127; minus strand). Cytogenetic location: 2q11.2.
Variant type: single nucleotide variant.
Coding change: c.278T>C on transcript NM_017849.4 (MANE Select); coding-DNA position 278, T replaced by C.
Protein change: p.Leu93Pro; replaces leucine 93 with proline.
Molecular consequence: missense variant.
Genome position (GRCh38, 1-based): chr2:96,254,964, A>G on the plus strand (T>C on the coding strand, the complement: TMEM127 is on the minus strand). VCF-style: chr2-96254964-A-G. GRCh37 (hg19) VCF-style: chr2-96920702-A-G.
Other names: c.278T>C, p.Leu93Pro (NM_001193304.3); c.26T>C, p.Leu9Pro (NM_001407282.1, NM_001407283.1); short protein forms L93P, L9P.
Identifiers: ClinVar variation 1796030 (VCV001796030.8), dbSNP rs2467266627, ClinGen allele CA347653590.